The following is an entry in ClinVar:

ClinVar aggregate classification (germline): Uncertain significance. Review status: criteria provided, multiple submitters, no conflicts (2 of 4 stars). 2 submissions from 2 submitters: Uncertain significance (2). Last evaluated 2023-12-09.

Conditions:
Inborn genetic diseases. Identifiers: MedGen C0950123, MeSH D030342.

Allele frequency attached by ClinVar (database versions not stated): gnomAD exomes below 0.00001; gnomAD 0.00001; TOPMed 0.00001; ExAC 0.00002.
gnomAD v4.1: 8 of 1,614,118 alleles (0.0005%); highest among the groups gnomAD compares: Admixed American, 0.0083%; no homozygotes.

Submissions (2):

GeneDx
Classification: Uncertain significance. Last evaluated: 2023-12-09. Review status: criteria provided, single submitter. Criteria: GeneDx Variant Classification Process June 2021. Collection method: clinical testing. Allele origin: germline. Affected: yes.
Comment: In silico analysis supports that this missense variant does not alter protein structure/function; Has not been previously published as pathogenic or benign to our knowledge

Ambry Genetics
Classification: Uncertain significance for Inborn genetic diseases. Last evaluated: 2022-11-07. Review status: criteria provided, single submitter. Criteria: Ambry Variant Classification Scheme 2023. Collection method: clinical testing. Allele origin: germline.

NM_001303457.2(TTI1):c.2584A>G (p.Ile862Val)

Gene: TTI1 (TELO2 interacting protein 1; minus strand). Cytogenetic location: 20q11.23.
Variant type: single nucleotide variant.
Coding change: c.2584A>G on transcript NM_001303457.2 (MANE Select); coding-DNA position 2584, A replaced by G.
Protein change: p.Ile862Val; replaces isoleucine 862 with valine.
Molecular consequence: missense variant.
Genome position (GRCh38, 1-based): chr20:38,002,696, T>C on the plus strand (A>G on the coding strand, the complement: TTI1 is on the minus strand). VCF-style: chr20-38002696-T-C. GRCh37 (hg19) VCF-style: chr20-36631098-T-C.
Other names: c.2584A>G, p.Ile862Val (NM_014657.3); c.2584A>G (NM_014657.2); short protein forms I862V.
Identifiers: ClinVar variation 2225720 (VCV002225720.3), dbSNP rs746890380, ClinGen allele CA9849237.